The following is an entry in ClinVar:

NM_001903.5(CTNNA1):c.499G>A (p.Ala167Thr)

Gene: CTNNA1 (catenin alpha 1; plus strand). Cytogenetic location: 5q31.2.
Variant type: single nucleotide variant.
Coding change: c.499G>A on transcript NM_001903.5 (MANE Select); coding-DNA position 499, G replaced by A.
Protein change: p.Ala167Thr; replaces alanine 167 with threonine.
Molecular consequence: missense variant.
Genome position (GRCh38, 1-based): chr5:138,812,213, G>A. VCF-style: chr5-138812213-G-A. GRCh37 (hg19) VCF-style: chr5-138147902-G-A.
Other names: c.130G>A, p.Ala44Thr (NM_001290310.3); c.499G>A, p.Ala167Thr (NM_001323982.2, NM_001323983.1, NM_001323984.2 and 3 more transcripts); c.190G>A, p.Ala64Thr (NM_001290309.3); short protein forms A167T, A44T, A64T.
Identifiers: ClinVar variation 4844443 (VCV004844443.1).

ClinVar aggregate classification (germline): Uncertain significance (1 of 4 stars; one submission).

Conditions:
Hereditary cancer-predisposing syndrome. Also called: Neoplastic Syndromes, Hereditary; Tumor predisposition; Hereditary Cancer Syndrome; Hereditary neoplastic syndrome. Identifiers: Orphanet 140162, MedGen C0027672, MeSH D009386, MONDO:0015356.

Submission:

Ambry Genetics
Classification: Uncertain significance for Hereditary cancer-predisposing syndrome. Last evaluated: 2026-01-20. Review status: criteria provided, single submitter. Criteria: Ambry Variant Classification Scheme 2023. Collection method: clinical testing. Allele origin: germline.
Comment: The p.A167T variant (also known as c.499G>A), located in coding exon 4 of the CTNNA1 gene, results from a G to A substitution at nucleotide position 499. The alanine at codon 167 is replaced by threonine, an amino acid with similar properties. This amino acid position is conserved. In addition, the in silico prediction for this alteration is inconclusive. Based on the available evidence, the clinical significance of this variant remains unclear.